The following is an entry in ClinVar:

ClinVar aggregate classification (germline): Uncertain significance (1 of 4 stars; one submission).

Submission:

Labcorp Genetics (formerly Invitae), Labcorp
Classification: Uncertain significance. Last evaluated: 2025-04-23. Review status: criteria provided, single submitter. Criteria: Invitae Variant Classification Sherloc (09022015). Collection method: clinical testing. Allele origin: germline.
Comment: This sequence change replaces valine, which is neutral and non-polar, with methionine, which is neutral and non-polar, at codon 275 of the AVPR2 protein (p.Val275Met). This variant is present in population databases (no rsID available, gnomAD 0.02%). This variant has not been reported in the literature in individuals affected with AVPR2-related conditions. Invitae Evidence Modeling of protein sequence and biophysical properties (such as structural, functional, and spatial information, amino acid conservation, physicochemical variation, residue mobility, and thermodynamic stability) indicates that this missense variant is expected to disrupt AVPR2 protein function with a positive predictive value of 80%. In summary, the available evidence is currently insufficient to determine the role of this variant in disease. Therefore, it has been classified as a Variant of Uncertain Significance.

NM_000054.7(AVPR2):c.823G>A (p.Val275Met)

Gene: AVPR2 (arginine vasopressin receptor 2; plus strand). Cytogenetic location: Xq28.
Variant type: single nucleotide variant.
Coding change: c.823G>A on transcript NM_000054.7 (MANE Select); coding-DNA position 823, G replaced by A.
Protein change: p.Val275Met; replaces valine 275 with methionine.
Molecular consequence: missense variant. On other transcripts: non-coding transcript variant (1).
Genome position (GRCh38, 1-based): chrX:153,906,329, G>A. VCF-style: chrX-153906329-G-A. GRCh37 (hg19) VCF-style: chrX-153171783-G-A.
Other names: c.823G>A, p.Val275Met (NM_001146151.3); short protein forms V275M.
Identifiers: ClinVar variation 4704334 (VCV004704334.1).